The following is an entry in ClinVar:

NM_012250.6(RRAS2):c.330G>C (p.Gln110His)

Gene: RRAS2 (RAS related 2; minus strand). Cytogenetic location: 11p15.2.
Variant type: single nucleotide variant.
Coding change: c.330G>C on transcript NM_012250.6 (MANE Select); coding-DNA position 330, G replaced by C.
Protein change: p.Gln110His; replaces glutamine 110 with histidine.
Molecular consequence: missense variant.
Genome position (GRCh38, 1-based): chr11:14,294,549, C>G on the plus strand (G>C on the coding strand, the complement: RRAS2 is on the minus strand). VCF-style: chr11-14294549-C-G. GRCh37 (hg19) VCF-style: chr11-14316095-C-G.
Other names: c.99G>C, p.Gln33His (NM_001102669.3, NM_001177315.2); c.225G>C, p.Gln75His (NM_001177314.2); short protein forms Q110H, Q33H, Q75H.
Identifiers: ClinVar variation 2632634 (VCV002632634.1), dbSNP rs2494137895, ClinGen allele CA379860163.

ClinVar aggregate classification (germline): Uncertain significance (1 of 4 stars; one submission).

Conditions:
RRAS2-related disorder. Also called: RRAS2-related condition.

Allele frequency attached by ClinVar (database versions not stated): gnomAD exomes below 0.00001.

Submission:

PreventionGenetics, part of Exact Sciences
Classification: Uncertain significance for RRAS2-related condition. Last evaluated: 2023-06-11. Review status: criteria provided, single submitter. Criteria: ACMG Guidelines, 2015. Collection method: clinical testing. Allele origin: germline.
Comment: The RRAS2 c.330G>C variant is predicted to result in the amino acid substitution p.Gln110His. To our knowledge, this variant has not been reported in the literature or in a large population database, indicating this variant is rare. At this time, the clinical significance of this variant is uncertain due to the absence of conclusive functional and genetic evidence.